The following is an entry in ClinVar:

ClinVar aggregate classification (germline): Likely benign. Review status: criteria provided, multiple submitters, no conflicts (2 of 4 stars). 2 submissions from 2 submitters: Likely benign (2). Last evaluated 2024-01-21.

Conditions:
Developmental and epileptic encephalopathy, 1 (DEE1). Also called: INFANTILE SPASM SYNDROME, X-LINKED 1; OHTAHARA SYNDROME, X-LINKED; Epileptic encephalopathy, early infantile, 1; X-linked infantile spasms; West's syndrome; Tonic spasms with clustering, arrest of psychomotor development and hypsarrhythmia on EEG. Identifiers: MedGen C3463992, MONDO:0010632, OMIM 308350. Disease mechanism: loss of function.
Intellectual disability, X-linked, with or without seizures, ARX-related. Also called: INTELLECTUAL DEVELOPMENTAL DISORDER, X-LINKED 29; MENTAL RETARDATION, X-LINKED 29; MENTAL RETARDATION, X-LINKED 32; MENTAL RETARDATION, X-LINKED 33; MENTAL RETARDATION, X-LINKED 38; MENTAL RETARDATION, X-LINKED 43. Identifiers: Orphanet 777, MedGen C0796244, MONDO:0010317, OMIM 300419.

Allele frequency attached by ClinVar (database versions not stated): TOPMed below 0.00001; gnomAD exomes 0.00001.
gnomAD v4.1: 6 of 917,167 alleles (0.00065%); highest among the groups gnomAD compares: Middle Eastern, 0.047%; no homozygotes.

Submissions (2):

Labcorp Genetics (formerly Invitae), Labcorp
Classification: Likely benign for Developmental and epileptic encephalopathy, 1; Intellectual disability, X-linked, with or without seizures, ARX-related. Last evaluated: 2024-01-21. Review status: criteria provided, single submitter. Criteria: Invitae Variant Classification Sherloc (09022015). Collection method: clinical testing. Allele origin: germline.

GeneDx
Classification: Likely benign. Last evaluated: 2018-11-15. Review status: criteria provided, single submitter. Criteria: GeneDx Variant Classification Process June 2021. Collection method: clinical testing. Allele origin: germline. Affected: yes.
Comment: This variant is associated with the following publications: (PMID: 16235064)

NM_139058.3(ARX):c.522G>T (p.Ser174=)

Gene: ARX (aristaless related homeobox; minus strand). Cytogenetic location: Xp21.3.
Variant type: single nucleotide variant.
Coding change: c.522G>T on transcript NM_139058.3 (MANE Select); coding-DNA position 522, G replaced by T.
Protein change: p.Ser174=; no amino-acid change (serine 174 retained).
Molecular consequence: synonymous variant.
Genome position (GRCh38, 1-based): chrX:25,013,473, C>A on the plus strand (G>T on the coding strand, the complement: ARX is on the minus strand). VCF-style: chrX-25013473-C-A. GRCh37 (hg19) VCF-style: chrX-25031590-C-A.
Identifiers: ClinVar variation 1198021 (VCV001198021.5), dbSNP rs2048711689, ClinGen allele CA515947532.